The following is an entry in ClinVar:

NM_001042492.3(NF1):c.4682G>A (p.Ser1561Asn)

Gene: NF1 (neurofibromin 1; plus strand). Cytogenetic location: 17q11.2.
Variant type: single nucleotide variant.
Coding change: c.4682G>A on transcript NM_001042492.3 (MANE Select); coding-DNA position 4682, G replaced by A.
Protein change: p.Ser1561Asn; replaces serine 1561 with asparagine.
Molecular consequence: missense variant.
Genome position (GRCh38, 1-based): chr17:31,261,815, G>A. VCF-style: chr17-31261815-G-A. GRCh37 (hg19) VCF-style: chr17-29588833-G-A.
Other names: c.4619G>A, p.Ser1540Asn (NM_000267.4); short protein forms S1540N, S1561N.
Identifiers: ClinVar variation 216404 (VCV000216404.18), dbSNP rs751414513, ClinGen allele CA338364.

ClinVar aggregate classification (germline): Conflicting classifications of pathogenicity. Review status: criteria provided, conflicting classifications (1 of 4 stars). 7 submissions from 6 submitters: Uncertain significance (4); Likely benign (3). Last evaluated 2026-01-28.

Conditions:
Cardiovascular phenotype. Identifiers: MedGen CN230736.
Hereditary cancer-predisposing syndrome. Also called: Neoplastic Syndromes, Hereditary; Tumor predisposition; Hereditary Cancer Syndrome; Hereditary neoplastic syndrome. Identifiers: Orphanet 140162, MedGen C0027672, MeSH D009386, MONDO:0015356.
Neurofibromatosis, type 1 (NF1). Also called: VON RECKLINGHAUSEN DISEASE; NEUROFIBROMATOSIS, TYPE I, SOMATIC; Peripheral type neurofibromatosis; Neurofibromatosis, type I. Identifiers: Orphanet 636, MedGen C0027831, MONDO:0018975, OMIM 162200. Disease mechanism: loss of function.

Allele frequency attached by ClinVar (database versions not stated): ExAC 0.00001; gnomAD exomes 0.00001; TOPMed 0.00001.
gnomAD v4.1: 4 of 1,612,986 alleles (0.00025%); highest among the groups gnomAD compares: African/African-American, 0.0013%; no homozygotes.

Submissions (7):

Labcorp Genetics (formerly Invitae), Labcorp
Classification: Likely benign for Neurofibromatosis, type 1. Last evaluated: 2026-01-28. Review status: criteria provided, single submitter. Criteria: Invitae Variant Classification Sherloc (09022015). Collection method: clinical testing. Allele origin: germline.

Ambry Genetics
Classification: Likely benign for Cardiovascular phenotype; Hereditary cancer-predisposing syndrome. Last evaluated: 2023-03-03. Review status: criteria provided, single submitter. Criteria: Ambry Variant Classification Scheme 2023. Collection method: clinical testing. Allele origin: germline.

Sema4
Classification: Uncertain significance for Hereditary cancer-predisposing syndrome. Last evaluated: 2021-11-22. Review status: criteria provided, single submitter. Criteria: Sema4 Curation Guidelines. Collection method: curation. Allele origin: germline.
Comment: To the best of our knowledge, the NF1 c.4619G>A (p.S1540N) variant has not been reported in individuals with NF1-related disease. It has been reported in at least one healthy control from a breast cancer study (PMID: 33471991). It was observed in 2/113606 chromosomes of the Non-Finnish European subpopulation in the large and broad cohorts of the Genome Aggregation Database (PMID: 32461654). The variant has been reported in ClinVar (Variation ID 216404). In silico tools suggest the impact of the variant on protein function is inconclusive, though these predictions have not been confirmed by functional studies. The evidence is insufficient to meet ACMG/AMP criteria for classifying the variant as benign or pathogenic. Thus, the clinical significance of this variant is currently uncertain.

GeneDx
Classification: Likely benign. Last evaluated: 2021-02-24. Review status: criteria provided, single submitter. Criteria: GeneDx Variant Classification Process June 2021. Collection method: clinical testing. Allele origin: germline. Affected: yes.
Comment: In silico analysis supports that this variant does not alter protein structure/function; Has not been previously published as pathogenic or benign to our knowledge

Blueprint Genetics
Classification: Uncertain significance. Last evaluated: 2020-08-07. Review status: criteria provided, single submitter. Criteria: ACMG Guidelines, 2015. Collection method: clinical testing. Allele origin: germline.

Mendelics
Classification: Uncertain significance for Neurofibromatosis, type 1. Last evaluated: 2018-07-02. Review status: criteria provided, single submitter. Criteria: Mendelics Assertion Criteria 2017. Collection method: clinical testing. Allele origin: unknown.

Ambry Genetics
Classification: Uncertain significance for Hereditary cancer-predisposing syndrome. Last evaluated: 2016-01-14. Review status: criteria provided, single submitter. Criteria: Ambry Autosomal Dominant and X-Linked criteria (10/2015). Collection method: clinical testing. Allele origin: germline. Observed: 1 variant allele.
Comment: Thep.S1561Nvariant (also known as c.4682G>A)located in coding exon 35 of theNF1gene, results from a G to A substitution at nucleotide position 4682. The serine at codon 1561 is replaced by asparagine, an amino acid with highly similar properties. This variant was not reported in population based cohorts in the following databases: Database of Single Nucleotide Polymorphisms (dbSNP), NHLBI Exome Sequencing Project (ESP), and 1000 Genomes Project. In the ESP, this variant was not observed in 6503 samples (13006 alleles) with coverage at this position. To date, this alteration has been detected with an allele frequency of approximately 0.003% (greater than 110000 alleles tested) in our clinical cohort. This amino acid position is highly conserved in available vertebrate species. In addition, this alteration is predicted to be tolerated by in silico analysis. Since supporting evidence is limited at this time, the clinical significance of p.S1561N remains unclear.

Literature cited by the submitters: PubMed 33471991 (cited by Sema4).